The following is an entry in ClinVar:

NM_005343.4(HRAS):c.367C>T (p.Arg123Cys)

Genes: HRAS (HRas proto-oncogene, GTPase; minus strand), LRRC56 (leucine rich repeat containing 56; plus strand). Cytogenetic location: 11p15.5.
Variant type: single nucleotide variant.
Coding change: c.367C>T on transcript NM_005343.4 (MANE Select); coding-DNA position 367, C replaced by T.
Protein change: p.Arg123Cys; replaces arginine 123 with cysteine.
Molecular consequence: missense variant. On other transcripts: synonymous variant (1).
Genome position (GRCh38, 1-based): chr11:533,536, G>A on the plus strand (C>T on the coding strand, the complement: HRAS is on the minus strand). VCF-style: chr11-533536-G-A. GRCh37 (hg19) VCF-style: chr11-533536-G-A.
Other names: p.R123C:CGC>TGC; c.367C>T, p.Arg123Cys (NM_001130442.3, NM_176795.5); c.48C>T, p.His16= (NM_001318054.2); short protein forms R123C.
Identifiers: ClinVar variation 180851 (VCV000180851.24), dbSNP rs369106578, ClinGen allele CA296066.

ClinVar aggregate classification (germline): Uncertain significance. Review status: criteria provided, multiple submitters, no conflicts (2 of 4 stars). 7 submissions from 7 submitters: Uncertain significance (7). Last evaluated 2025-09-03.

Conditions:
Thyroid cancer, nonmedullary, 2 (NMTC2). Also called: THYROID CARCINOMA, FOLLICULAR; THYROID CANCER, NONMEDULLARY, 2, SUSCEPTIBILITY TO; Thyroid carcinoma, follicular, somatic. Identifiers: MedGen C4225426, MONDO:0008566, OMIM 188470.
Costello syndrome (CSTLO). Also called: FCS SYNDROME; FACIOCUTANEOSKELETAL SYNDROME; HRAS-Related Costello Syndrome. Identifiers: Orphanet 3071, MedGen C0587248, MONDO:0009026, OMIM 218040.
Malignant tumor of urinary bladder. Also called: Bladder cancer; Urinary bladder cancer; Urinary Bladder Neoplasms. Identifiers: MedGen C0005684, MONDO:0001187, OMIM 109800.
Epidermal nevus. Also called: NEVUS, KERATINOCYTIC, NONEPIDERMOLYTIC; Nevus, epidermal, somatic. Identifiers: Orphanet 79414, MedGen C0334082, MONDO:0008093, OMIM 162900, HP:0010816.
Linear nevus sebaceous syndrome. Also called: JADASSOHN NEVUS PHAKOMATOSIS; NEVUS SEBACEUS OF JADASSOHN; ORGANOID NEVUS PHAKOMATOSIS; SFM SYNDROME; Sebaceous nevus syndrome and hemimegalencephaly; Nevus, Sebaceous of Jadassohn. Identifiers: Orphanet 2612, MedGen C4552097, MONDO:0008097, OMIM 163200, HP:0010817.
Large congenital melanocytic nevus (CMNS). Also called: Giant hairy nevus; Bathing trunk nevus; Congenital giant pigmented nevus; PIGMENTED MOLES; Congenital giant melanocytic nevus; Giant congenital nevus. Identifiers: Orphanet 626, MedGen C1842036, MONDO:0044792, OMIM 137550, HP:0005600.

Allele frequency attached by ClinVar (database versions not stated): TOPMed 0.00001; gnomAD exomes 0.00002; ExAC 0.00003; ESP Exome Variant Server 0.00008.
gnomAD v4.1: 28 of 1,613,748 alleles (0.0017%); highest among the groups gnomAD compares: East Asian, 0.0022%; no homozygotes.

Submissions (7):

Labcorp Genetics (formerly Invitae), Labcorp
Classification: Uncertain significance for Costello syndrome. Last evaluated: 2025-09-03. Review status: criteria provided, single submitter. Criteria: Invitae Variant Classification Sherloc (09022015). Collection method: clinical testing. Allele origin: germline.
Comment: This sequence change replaces arginine, which is basic and polar, with cysteine, which is neutral and slightly polar, at codon 123 of the HRAS protein (p.Arg123Cys). This variant is present in population databases (rs369106578, gnomAD 0.009%). This variant has not been reported in the literature in individuals affected with HRAS-related conditions. ClinVar contains an entry for this variant (Variation ID: 180851). Invitae Evidence Modeling incorporating data from in vitro experimental studies (internal data) indicates that this missense variant is not expected to disrupt HRAS function with a negative predictive value of 95%. In summary, the available evidence is currently insufficient to determine the role of this variant in disease. Therefore, it has been classified as a Variant of Uncertain Significance.

Blueprint Genetics
Classification: Uncertain significance. Last evaluated: 2024-08-16. Review status: criteria provided, single submitter. Criteria: ACMG Guidelines, 2015. Collection method: clinical testing. Allele origin: germline.

Fulgent Genetics
Classification: Uncertain significance for Malignant tumor of urinary bladder; Large congenital melanocytic nevus; Epidermal nevus; Linear nevus sebaceous syndrome; Thyroid cancer, nonmedullary, 2; Costello syndrome. Last evaluated: 2024-01-06. Review status: criteria provided, single submitter. Criteria: ACMG Guidelines, 2015. Collection method: clinical testing. Allele origin: germline.

St. Jude Molecular Pathology, St. Jude Children's Research Hospital
Classification: Uncertain significance for Costello syndrome. Last evaluated: 2023-03-29. Review status: criteria provided, single submitter. Criteria: St. Jude Assertion Criteria 2020. Collection method: clinical testing. Allele origin: germline.
Comment: The HRAS c.367C>T (p.Arg123Cys) missense change has a maximum subpopulation frequency of 0.0086% in gnomAD v2.1.1. The in silico tool REVEL predicts a deleterious effect on protein function, but to our knowledge this prediction has not been confirmed by functional studies. To our knowledge, this variant has not been reported in the literature in individuals with Costello syndrome. In summary, the evidence currently available is insufficient to determine the clinical significance of this variant. It has therefore been classified as of uncertain significance.

Mayo Clinic Laboratories, Mayo Clinic
Classification: Uncertain significance. Last evaluated: 2020-09-04. Review status: criteria provided, single submitter. Criteria: ACMG Guidelines, 2015. Collection method: clinical testing. Allele origin: germline. Observed: 1 variant allele.

GeneDx
Classification: Uncertain significance. Last evaluated: 2019-01-03. Review status: criteria provided, single submitter. Criteria: GeneDx Variant Classification Process June 2021. Collection method: clinical testing. Allele origin: germline. Affected: yes.
Comment: Missense variants in this gene are often considered pathogenic (HGMD); In silico analysis supports that this missense variant has a deleterious effect on protein structure/function; Has not been previously published as pathogenic or benign to our knowledge

Laboratory for Molecular Medicine, Mass General Brigham Personalized Medicine
Classification: Uncertain significance. Last evaluated: 2017-06-20. Review status: criteria provided, single submitter. Criteria: LMM Criteria. Collection method: clinical testing. Allele origin: germline. Observed: 2 variant alleles.
Comment: The p.Arg123Cys variant in HRAS has not been previously reported in individuals with clinical features of Noonan syndrome disorders, but has been reported in Cl inVar by other clinical laboratories (VariationID: 180851). This variant has bee n identified in 3/33582 Latino chromosomes and 3/111670 European chromosomes by the Genome Aggregation Database (gnomAD; dbSN P rs369106578). Computational prediction tools and conservation analysis suggest that this variant may impact the protein, though this information is not predic tive enough to determine pathogenicity. In summary, the clinical significance o f the p.Arg123Cys variant is uncertain.